The following is an entry in ClinVar:

NM_001367624.2(ZNF469):c.931G>A (p.Gly311Arg)

Gene: ZNF469 (zinc finger protein 469; plus strand). Cytogenetic location: 16q24.2.
Variant type: single nucleotide variant.
Coding change: c.931G>A on transcript NM_001367624.2 (MANE Select); coding-DNA position 931, G replaced by A.
Protein change: p.Gly311Arg; replaces glycine 311 with arginine.
Molecular consequence: missense variant.
Genome position (GRCh38, 1-based): chr16:88,428,401, G>A. VCF-style: chr16-88428401-G-A. GRCh37 (hg19) VCF-style: chr16-88494809-G-A.
Other names: NM_001127464.1:c.931G>A; short protein forms G311R.
Identifiers: ClinVar variation 1399733 (VCV001399733.5), dbSNP rs930833316, ClinGen allele CA286372236.

ClinVar aggregate classification (germline): Uncertain significance. Review status: criteria provided, multiple submitters, no conflicts (2 of 4 stars). 2 submissions from 2 submitters: Uncertain significance (2). Last evaluated 2021-10-24.

Conditions:
Cardiovascular phenotype. Identifiers: MedGen CN230736.

Allele frequency attached by ClinVar (database versions not stated): gnomAD exomes 0.00001; TOPMed 0.00001.
gnomAD v4.1: 8 of 1,548,446 alleles (0.00052%); highest among the groups gnomAD compares: South Asian, 0.0012%; no homozygotes.

Submissions (2):

Labcorp Genetics (formerly Invitae), Labcorp
Classification: Uncertain significance. Last evaluated: 2021-10-24. Review status: criteria provided, single submitter. Criteria: Invitae Variant Classification Sherloc (09022015). Collection method: clinical testing. Allele origin: germline.
Comment: This sequence change replaces glycine, which is neutral and non-polar, with arginine, which is basic and polar, at codon 311 of the ZNF469 protein (p.Gly311Arg). The frequency data for this variant in the population databases is considered unreliable, as metrics indicate poor data quality at this position in the gnomAD database. This missense change has been observed in individual(s) with clinical features of ZNF469-related conditions (PMID: 29228253). Algorithms developed to predict the effect of missense changes on protein structure and function output the following: SIFT: "Deleterious"; PolyPhen-2: "Possibly Damaging"; Align-GVGD: "Class C0". The arginine amino acid residue is found in multiple mammalian species, which suggests that this missense change does not adversely affect protein function. In summary, the available evidence is currently insufficient to determine the role of this variant in disease. Therefore, it has been classified as a Variant of Uncertain Significance.

Ambry Genetics
Classification: Uncertain significance for Cardiovascular phenotype. Last evaluated: 2020-10-09. Review status: criteria provided, single submitter. Criteria: Ambry Variant Classification Scheme 2023. Collection method: clinical testing. Allele origin: germline.
Comment: The p.G311R variant (also known as c.931G>A), located in coding exon 1 of the ZNF469 gene, results from a G to A substitution at nucleotide position 931. The glycine at codon 311 is replaced by arginine, an amino acid with dissimilar properties. This variant has been detected in a keratoconus cohort; however, details were limited (Lucas SEM et al, Invest Ophthalmol Vis Sci. 2017 12;58:6248-6256). This amino acid position is not well conserved in available vertebrate species, and arginine is the reference amino acid in other vertebrate species. In addition, this alteration is predicted to be tolerated by in silico analysis. Since supporting evidence is limited at this time, the clinical significance of this alteration remains unclear.

Literature cited by the submitters: PubMed 29228253 (cited by Labcorp Genetics (formerly Invitae), Labcorp and Ambry Genetics).